The following is an entry in ClinVar:

ClinVar aggregate classification (germline): Uncertain significance (1 of 4 stars; one submission).

Conditions:
Hereditary cancer-predisposing syndrome. Also called: Hereditary Cancer Syndrome; Hereditary neoplastic syndrome; Neoplastic Syndromes, Hereditary; Tumor predisposition. Identifiers: Orphanet 140162, MedGen C0027672, MeSH D009386, MONDO:0015356.

Submission:

Sema4
Classification: Uncertain significance for Hereditary cancer-predisposing syndrome. Last evaluated: 2021-09-23. Review status: criteria provided, single submitter. Criteria: Sema4 Curation Guidelines. Collection method: curation. Allele origin: germline.
Comment: The TSC1 c.2120T>C (p.F707S) variant has not been reported in the literature to our knowledge. It was not observed in the large and broad cohorts of the Genome Aggregation Database. The variant has not been reported in ClinVar. In silico tools suggest the impact of the variant on protein function is deleterious, though these predictions have not been confirmed by functional studies. The evidence is insufficient to meet ACMG/AMP criteria for classifying the variant as benign or pathogenic. Thus, the clinical significance of this variant is currently uncertain.

NM_000368.5(TSC1):c.2120T>C (p.Phe707Ser)

Gene: TSC1 (TSC complex subunit 1; minus strand). Cytogenetic location: 9q34.13.
Variant type: single nucleotide variant.
Coding change: c.2120T>C on transcript NM_000368.5 (MANE Select); coding-DNA position 2120, T replaced by C.
Protein change: p.Phe707Ser; replaces phenylalanine 707 with serine.
Molecular consequence: missense variant.
Genome position (GRCh38, 1-based): chr9:132,903,739, A>G on the plus strand (T>C on the coding strand, the complement: TSC1 is on the minus strand). VCF-style: chr9-132903739-A-G. GRCh37 (hg19) VCF-style: chr9-135779126-A-G.
Other names: c.2117T>C, p.Phe706Ser (NM_001162426.2); c.1967T>C, p.Phe656Ser (NM_001162427.2); c.1757T>C, p.Phe586Ser (NM_001362177.2); short protein forms F586S, F656S, F706S, F707S.
Identifiers: ClinVar variation 1692395 (VCV001692395.1), dbSNP rs2131766358, ClinGen allele CA375361009.
Genomic context (GRCh38, chr9:132,903,739, plus strand): 5'-GCTGCTTTGATCACCTTGCGGAGGAGCCGCCTGTTCCGGAGGGCATGCTGCTGCCTCTTA[A>G]AACGCTCATAGAGTAACTGGTTGTGCAGTAAAAGCAACTGGTCTCGGAGGGTGCGGATCT-3'
Protein context (NP_000359.1, residues 697-717): LLHNQLLYER[Phe707Ser]KRQQHALRNR